The following is an entry in ClinVar:

NM_001267550.2(TTN):c.10435G>A (p.Gly3479Arg)

Gene: TTN (titin; minus strand). Cytogenetic location: 2q31.2.
Variant type: single nucleotide variant.
Coding change: c.10435G>A on transcript NM_001267550.2 (MANE Select); coding-DNA position 10435, G replaced by A.
Protein change: p.Gly3479Arg; replaces glycine 3479 with arginine.
Molecular consequence: missense variant. On other transcripts: intron variant (5).
Genome position (GRCh38, 1-based): chr2:178,757,785, C>T on the plus strand (G>A on the coding strand, the complement: TTN is on the minus strand). VCF-style: chr2-178757785-C-T. GRCh37 (hg19) VCF-style: chr2-179622512-C-T.
Other names: c.10297G>A, p.Gly3433Arg (NM_133432.3); c.10165+1199G>A (NM_003319.4); c.10166-988G>A (NM_133437.4); c.10303+1199G>A (NM_133378.4, NM_001256850.1, NM_133379.5); short protein forms G3479R, G3433R.
Identifiers: ClinVar variation 405118 (VCV000405118.4), dbSNP rs746691102, ClinGen allele CA2004109.
Genomic context (GRCh38, chr2:178,757,785, plus strand): 5'-ACCATTGGATTTCTGGCTTGGGAATGCCAGAAACCCTCGCATGAAATCTGACTGTCTCCC[C>T]GTTGTGCACCCTGAGGCTTGACAGAGGCTGGATGAAGCTGGGCTTTTGGCCAAGGGGCTC-3'
Protein context (NP_001254479.2, residues 3469-3489): QPLSSLRVHN[Gly3479Arg]ETVRFHARVS

ClinVar aggregate classification (germline): Uncertain significance. Review status: criteria provided, multiple submitters, no conflicts (2 of 4 stars). 2 submissions from 2 submitters: Uncertain significance (2). Last evaluated 2025-12-29.

Conditions:
TTN-related disorder. Also called: TTN-related disorders; TTN-related condition; TTN-related disease.
Autosomal recessive limb-girdle muscular dystrophy type 2J (LGMDR10). Also called: Limb-girdle muscular dystrophy, type 2J; MUSCULAR DYSTROPHY, LIMB-GIRDLE, AUTOSOMAL RECESSIVE 10. Identifiers: Orphanet 140922, MedGen C1837342, MONDO:0012127, OMIM 608807.
Dilated cardiomyopathy 1G (CMD1G). Identifiers: Orphanet 154, MedGen C1858763, MONDO:0011400, OMIM 604145.

Allele frequency attached by ClinVar (database versions not stated): ExAC 0.00005; gnomAD 0.00005 and 0.00006; gnomAD exomes 0.00007 and 0.00008; TOPMed 0.00008.
gnomAD v4.1: 115 of 1,613,470 alleles (0.0071%); highest among the groups gnomAD compares: Admixed American, 0.027%; no homozygotes.

Submissions (2):

PreventionGenetics, part of Exact Sciences
Classification: Uncertain significance for TTN-related condition. Last evaluated: 2025-12-29. Review status: criteria provided, single submitter. Criteria: ACMG Guidelines, 2015. Collection method: clinical testing. Allele origin: germline.
Comment: The TTN c.10435G>A variant is predicted to result in the amino acid substitution p.Gly3479Arg. To our knowledge, this variant has not been reported in the literature. This variant is reported in 0.028% of alleles in individuals of Latino descent in gnomAD. At this time, the clinical significance of this variant is uncertain due to the absence of conclusive functional and genetic evidence.

Labcorp Genetics (formerly Invitae), Labcorp
Classification: Uncertain significance for Dilated cardiomyopathy 1G; Autosomal recessive limb-girdle muscular dystrophy type 2J. Last evaluated: 2016-12-08. Review status: criteria provided, single submitter. Criteria: Invitae Variant Classification Sherloc (09022015). Collection method: clinical testing. Allele origin: germline.